The following is an entry in ClinVar:

NM_001371623.1(TCOF1):c.1646del (p.Ser549fs)

Gene: TCOF1 (treacle ribosome biogenesis factor 1; plus strand). Cytogenetic location: 5q32.
Variant type: Deletion.
Coding change: c.1646del on transcript NM_001371623.1 (MANE Select); coding-DNA position 1646, one base deleted (G; older notation c.1646delG).
Protein change: p.Ser549fs; shifts the reading frame from serine 549.
Molecular consequence: frameshift variant.
Genome position (GRCh38, 1-based): chr5:150,375,496, G deleted. VCF-style (leftmost placement, unchanged base first): chr5-150375495-AG-A. GRCh37 (hg19) VCF-style: chr5-149755058-AG-A.
Other names: c.1415del, p.Ser472fs (NM_000356.4, NM_001135245.2); c.1646del, p.Ser549fs (NM_001008657.3, NM_001135243.2, NM_001135244.2 and 1 more transcripts); short protein forms S472fs, S549fs.
Identifiers: ClinVar variation 2122505 (VCV002122505.4), dbSNP rs2533458182, ClinGen allele CA2580073893.

ClinVar aggregate classification (germline): Pathogenic (1 of 4 stars; one submission).

Conditions:
Treacher Collins syndrome 1 (TCS1). Also called: TCOF1-Related Treacher Collins Syndrome. Identifiers: Orphanet 861, MedGen CN315775, MONDO:0007944, OMIM 154500.

Submission:

Labcorp Genetics (formerly Invitae), Labcorp
Classification: Pathogenic for Treacher Collins syndrome 1. Last evaluated: 2022-04-07. Review status: criteria provided, single submitter. Criteria: Invitae Variant Classification Sherloc (09022015). Collection method: clinical testing. Allele origin: germline.
Comment: For these reasons, this variant has been classified as Pathogenic. Algorithms developed to predict the effect of sequence changes on RNA splicing suggest that this variant may disrupt the consensus splice site. This variant has not been reported in the literature in individuals affected with TCOF1-related conditions. This variant is not present in population databases (gnomAD no frequency). This sequence change creates a premature translational stop signal (p.Ser549Metfs*47) in the TCOF1 gene. It is expected to result in an absent or disrupted protein product. Loss-of-function variants in TCOF1 are known to be pathogenic (PMID: 8894686, 22317976).

Literature cited by the submitters: PubMed 8894686; PubMed 22317976.